The following is an entry in ClinVar:

ClinVar aggregate classification (germline): Uncertain significance (1 of 4 stars; one submission).

Conditions:
Spastic paraplegia. Identifiers: MedGen C0037772, HP:0001258.

Submission:

Labcorp Genetics (formerly Invitae), Labcorp
Classification: Uncertain significance for Spastic paraplegia. Last evaluated: 2022-02-05. Review status: criteria provided, single submitter. Criteria: Invitae Variant Classification Sherloc (09022015). Collection method: clinical testing. Allele origin: germline.
Comment: In summary, the available evidence is currently insufficient to determine the role of this variant in disease. Therefore, it has been classified as a Variant of Uncertain Significance. Algorithms developed to predict the effect of missense changes on protein structure and function (SIFT, PolyPhen-2, Align-GVGD) all suggest that this variant is likely to be disruptive. This variant has not been reported in the literature in individuals affected with ZFYVE26-related conditions. This variant is not present in population databases (gnomAD no frequency). This sequence change replaces histidine, which is basic and polar, with proline, which is neutral and non-polar, at codon 1125 of the ZFYVE26 protein (p.His1125Pro).

NM_015346.4(ZFYVE26):c.3374A>C (p.His1125Pro)

Gene: ZFYVE26 (zinc finger FYVE-type containing 26; minus strand). Cytogenetic location: 14q24.1.
Variant type: single nucleotide variant.
Coding change: c.3374A>C on transcript NM_015346.4 (MANE Select); coding-DNA position 3374, A replaced by C.
Protein change: p.His1125Pro; replaces histidine 1125 with proline.
Molecular consequence: missense variant.
Genome position (GRCh38, 1-based): chr14:67,785,208, T>G on the plus strand (A>C on the coding strand, the complement: ZFYVE26 is on the minus strand). VCF-style: chr14-67785208-T-G. GRCh37 (hg19) VCF-style: chr14-68251925-T-G.
Other names: short protein forms H1125P.
Identifiers: ClinVar variation 1490345 (VCV001490345.8), dbSNP rs2140226565, ClinGen allele CA390172390.